The following is an entry in ClinVar:

NM_000340.2(SLC2A2):c.589G>A (p.Val197Ile)

Gene: SLC2A2 (solute carrier family 2 member 2; minus strand). Cytogenetic location: 3q26.2.
Variant type: single nucleotide variant.
Coding change: c.589G>A on transcript NM_000340.2 (MANE Select); coding-DNA position 589, G replaced by A.
Protein change: p.Val197Ile; replaces valine 197 with isoleucine.
Molecular consequence: missense variant.
Genome position (GRCh38, 1-based): chr3:171,007,171, C>T on the plus strand (G>A on the coding strand, the complement: SLC2A2 is on the minus strand). VCF-style: chr3-171007171-C-T. GRCh37 (hg19) VCF-style: chr3-170724960-C-T.
Other names: c.232G>A, p.Val78Ile (NM_001278658.2); c.70G>A, p.Val24Ile (NM_001278659.2); short protein forms V197I, V24I, V78I.
Identifiers: ClinVar variation 16090 (VCV000016090.8), dbSNP rs121909741, ClinGen allele CA020020.

ClinVar aggregate classification (germline): Uncertain significance. Review status: criteria provided, multiple submitters, no conflicts (2 of 4 stars). 4 submissions from 4 submitters: Uncertain significance (3). 1 of the submissions does not count toward it. Last evaluated 2024-03-05.

Conditions:
Type 2 diabetes mellitus. Also called: Type II diabetes mellitus. Identifiers: MedGen C0011860, MeSH D003924, MONDO:0005148, OMIM 125853, HP:0005978.
Fanconi-Bickel syndrome (FBS). Also called: FANCONI SYNDROME WITH INTESTINAL MALABSORPTION AND GALACTOSE INTOLERANCE; HEPATIC GLYCOGENOSIS WITH AMINO ACIDURIA AND GLUCOSURIA; HEPATIC GLYCOGENOSIS WITH FANCONI NEPHROPATHY; HEPATORENAL GLYCOGENOSIS WITH RENAL FANCONI SYNDROME; PSEUDO-PHLORIZIN DIABETES; Glycogen storage disease due to GLUT2 deficiency. Identifiers: Orphanet 2088, MedGen C3495427, MONDO:0009216, OMIM 227810.
Diabetes mellitus type 2, susceptibility to. Identifiers: MedGen C3837967.
Monogenic diabetes. Identifiers: Orphanet 183625, MedGen C3888631, MONDO:0015967.

Allele frequency attached by ClinVar (database versions not stated): ExAC 0.00007; gnomAD 0.00007 and 0.00009; gnomAD exomes 0.00004; TOPMed 0.00008.

Submissions (4):

Fulgent Genetics
Classification: Uncertain significance for Type 2 diabetes mellitus; Fanconi-Bickel syndrome. Last evaluated: 2024-03-05. Review status: criteria provided, single submitter. Criteria: ACMG Guidelines, 2015. Collection method: clinical testing. Allele origin: germline.

Labcorp Genetics (formerly Invitae), Labcorp
Classification: Uncertain significance for Fanconi-Bickel syndrome. Last evaluated: 2022-01-15. Review status: criteria provided, single submitter. Criteria: Invitae Variant Classification Sherloc (09022015). Collection method: clinical testing. Allele origin: germline.
Comment: This sequence change replaces valine, which is neutral and non-polar, with isoleucine, which is neutral and non-polar, at codon 197 of the SLC2A2 protein (p.Val197Ile). This variant is present in population databases (rs121909741, gnomAD 0.04%). This missense change has been observed in individual(s) with diabetes mellitus (PMID: 8063045). ClinVar contains an entry for this variant (Variation ID: 16090). Algorithms developed to predict the effect of missense changes on protein structure and function are either unavailable or do not agree on the potential impact of this missense change (SIFT: "Tolerated"; PolyPhen-2: "Probably Damaging"; Align-GVGD: "Class C0"). Experimental studies have shown that this missense change affects SLC2A2 function (PMID: 8027028). In summary, the available evidence is currently insufficient to determine the role of this variant in disease. Therefore, it has been classified as a Variant of Uncertain Significance.

Personalized Diabetes Medicine Program, University of Maryland School of Medicine
Classification: Uncertain significance for Monogenic diabetes. Last evaluated: 2016-02-12. Review status: criteria provided, single submitter. Criteria: ACMG Guidelines, 2015. Collection method: research. Allele origin: unknown. Observed: 1 variant allele, 1 heterozygote.
Comment: ACMG Criteria: PS3 (PMID:8027028), PP3, BP4

OMIM
Classification: risk factor for TYPE 2 DIABETES MELLITUS, SUSCEPTIBILITY TO. Last evaluated: 2002-01-01. Review status: no assertion criteria provided. Collection method: literature only. Allele origin: germline. Not counted in ClinVar's aggregate classification.

Literature cited by the submitters: PubMed 8063045 (cited by Labcorp Genetics (formerly Invitae), Labcorp and OMIM); PubMed 8027028 (cited by 3 submitters); PubMed 11810292 (cited by OMIM).